The following is an entry in ClinVar:

ClinVar aggregate classification (germline): Pathogenic. Review status: criteria provided, multiple submitters, no conflicts (2 of 4 stars). 6 submissions from 6 submitters: Pathogenic (5). 1 of the submissions does not count toward it. Last evaluated 2026-08-27.

Conditions:
KRIT1-related disorder. Also called: KRIT1-related condition; KRIT1-related disorders.
Hereditary cavernous hemangioma of brain. Also called: Famililal cerebral cavernous malformations. Identifiers: Orphanet 221061, MedGen C2931263, MONDO:0031037.
Inborn genetic diseases. Identifiers: MedGen C0950123, MeSH D030342.
Cerebral cavernous malformation (CCM). Also called: CAVERNOUS ANGIOMA, FAMILIAL; CAVERNOUS ANGIOMATOUS MALFORMATIONS; CEREBRAL CAPILLARY MALFORMATIONS; Cerebral cavernous malformations; Cerebral cavernous hemangioma (type); Cavernous Hemangioma of Brain. Identifiers: Orphanet 221061, MedGen C2919945, MONDO:0000820, OMIM 116860, HP:0033522.

Submissions (6):

GeneDx
Classification: Pathogenic. Last evaluated: 2026-08-27. Review status: criteria provided, single submitter. Criteria: GeneDx Variant Classification Process June 2021. Collection method: clinical testing. Allele origin: germline.
Comment: Not observed at significant frequency in large population cohorts (gnomAD); Frameshift variant predicted to result in protein truncation or nonsense mediated decay in a gene for which loss of function is a known mechanism of disease; This variant is associated with the following publications: (PMID: 11161805)

Labcorp Genetics (formerly Invitae), Labcorp
Classification: Pathogenic for Cerebral cavernous malformation. Last evaluated: 2025-11-04. Review status: criteria provided, single submitter. Criteria: Invitae Variant Classification Sherloc (09022015). Collection method: clinical testing. Allele origin: germline.
Comment: This sequence change creates a premature translational stop signal (p.Lys51Ilefs*13) in the KRIT1 gene. It is expected to result in an absent or disrupted protein product. Loss-of-function variants in KRIT1 are known to be pathogenic (PMID: 10508515, 11222804, 12404106, 24689081). This variant is not present in population databases (gnomAD no frequency). This premature translational stop signal has been observed in individuals with cerebral cavernous malformations (PMID: 11161805; internal data). ClinVar contains an entry for this variant (Variation ID: 265214). For these reasons, this variant has been classified as Pathogenic.

Ambry Genetics
Classification: Pathogenic for Inborn genetic diseases. Last evaluated: 2025-06-17. Review status: criteria provided, single submitter. Criteria: Ambry Variant Classification Scheme 2023. Collection method: clinical testing. Allele origin: germline.
Comment: The c.152_155delAAGT (p.K51Ifs*13) alteration, located in exon 6 (coding exon 2) of the KRIT1 gene, consists of a deletion of 4 nucleotides from position 152 to 155, causing a translational frameshift with a predicted alternate stop codon after 13 amino acids. This alteration is expected to result in loss of function by premature protein truncation or nonsense-mediated mRNA decay. This variant was not reported in population-based cohorts in the Genome Aggregation Database (gnomAD). This variant was reported in individual(s) with features consistent with KRIT1-related cerebral cavernous malformations (Sahoo, 2001). Based on the available evidence, this alteration is classified as pathogenic.

Molecular Genetics, Royal Melbourne Hospital
Classification: Pathogenic for Hereditary cavernous hemangioma of brain. Last evaluated: 2023-06-06. Review status: criteria provided, single submitter. Criteria: ACMG Guidelines, 2015. Collection method: clinical testing. Allele origin: germline. Inheritance: Autosomal dominant inheritance. Affected: yes.
Comment: This sequence change in KRIT1 is a frameshift variant predicted to cause a premature stop codon, p.(Lys51Ilefs*13), in biologically relevant exon 5/19 leading to nonsense-mediated decay in a gene in which loss-of-function is an established mechanism of disease (PMID: 20301470). This variant is absent from the population database gnomAD v2.1 and v3.1.This variant has been reported in at least two individuals with KRIT1-related cerebral cavernous malformations (PMID: 11161805; ClinVar: SCV000948377.3). Based on the classification scheme RMH Modified ACMG/AMP Guidelines v1.6.1, this variant is classified as PATHOGENIC. Following criteria are met: PVS1, PM2_Supporting, PS4_Supporting

Center for Genomics, Ann and Robert H. Lurie Children's Hospital of Chicago
Classification: Pathogenic for Cerebral cavernous malformation. Review status: criteria provided, single submitter. Criteria: ACMG Guidelines, 2015. Collection method: clinical testing. Allele origin: germline.
Comment: This variant has been reported in the literature in at least 1 individual with cerebral cavernous malformation (Sahoo 2001 PMID:11161805). This variant is not present in large control databases. This variant is present in ClinVar, with several labs classifying this variant as pathogenic (Variation ID:265214). Evolutionary conservation and computational predictive tools for this variant are limited or unavailable. This variant is a deletion of 4 nucelotides at position 152 and creates a premature stop codon 13 amino acids downstream from this location which results in an absent or abnormal protein. Loss of function variants are a known mechanism of disease for this gene (Cianfruglia 2019 PMID:30658464). In summary, this variant is classified as pathogenic based on the data above.

PreventionGenetics, part of Exact Sciences
Classification: Pathogenic for KRIT1-related condition. Last evaluated: 2023-10-30. Review status: no assertion criteria provided. Collection method: clinical testing. Allele origin: germline. Not counted in ClinVar's aggregate classification.
Comment: The KRIT1 c.152_155delAAGT variant is predicted to result in a frameshift and premature protein termination (p.Lys51Ilefs*13). This variant has been reported to be causative for cerebral cavernous malformations (CCMs) (Sahoo et al 2001. PubMed ID: 11161805). This variant has not been reported in a large population database, indicating this variant is rare. Frameshift variants in KRIT1 are expected to be pathogenic. This variant is interpreted as pathogenic.

Literature cited by the submitters: PubMed 10508515 (cited by Labcorp Genetics (formerly Invitae), Labcorp); PubMed 11222804 (cited by Labcorp Genetics (formerly Invitae), Labcorp); PubMed 12404106 (cited by Labcorp Genetics (formerly Invitae), Labcorp); PubMed 24689081 (cited by Labcorp Genetics (formerly Invitae), Labcorp); PubMed 11161805 (cited by 3 submitters); PubMed 20301470 (cited by Molecular Genetics, Royal Melbourne Hospital).

NM_194454.3(KRIT1):c.152_155del (p.Lys51fs)

Gene: KRIT1 (KRIT1 ankyrin repeat containing; minus strand). Cytogenetic location: 7q21.2.
Variant type: Deletion.
Coding change: c.152_155del on transcript NM_194454.3 (MANE Select); coding-DNA positions 152 to 155, 4 bases deleted (AAGT; older notation c.152_155delAAGT).
Protein change: p.Lys51fs; shifts the reading frame from lysine 51.
Molecular consequence: frameshift variant. On other transcripts: 5 prime UTR variant (1).
Genome position (GRCh38, 1-based): chr7:92,241,100-92,241,103, ACTT deleted on the plus strand (AAGT on the coding strand, the reverse complement: KRIT1 is on the minus strand). VCF-style (leftmost placement, unchanged base first): chr7-92241099-AACTT-A. GRCh37 (hg19) VCF-style: chr7-91870413-AACTT-A.
Other names: c.152_155delAAGT (NM_194456.1, NM_194454.3); c.152_155del, p.Lys51fs (NM_001013406.2, NM_001350669.1, NM_001350670.1 and 29 more transcripts); c.-432_-429del (NM_001350671.1); short protein forms K51fs.
Identifiers: ClinVar variation 265214 (VCV000265214.21), dbSNP rs886039400, ClinGen allele CA10588441.